The following is an entry in ClinVar:

NM_144670.6(A2ML1):c.4152+207G>C

Gene: A2ML1 (alpha-2-macroglobulin like 1; plus strand). Cytogenetic location: 12p13.31.
Variant type: single nucleotide variant.
Coding change: c.4152+207G>C on transcript NM_144670.6 (MANE Select); 207 bases into the intron after coding-DNA position 4152, G replaced by C.
Molecular consequence: intron variant.
Genome position (GRCh38, 1-based): chr12:8,868,834, G>C. VCF-style: chr12-8868834-G-C. GRCh37 (hg19) VCF-style: chr12-9021430-G-C.
Other names: c.2679+207G>C (NM_001282424.3).
Identifiers: ClinVar variation 561570 (VCV000561570.1), dbSNP rs7969113, ClinGen allele CA232633195.

ClinVar aggregate classification (germline): Benign (1 of 4 stars; one submission).

Allele frequency attached by ClinVar (database versions not stated): 1000 Genomes Project 0.18930; 1000 Genomes Project 30x 0.19082; TOPMed 0.19879; gnomAD 0.20113 and 0.20455.
gnomAD v4.1: 30,412 of 151,744 alleles (20%); highest among the groups gnomAD compares: African/African-American, 29%; 3,311 homozygotes.

Submission:

GeneDx
Classification: Benign. Last evaluated: 2018-06-16. Review status: criteria provided, single submitter. Criteria: GeneDx Variant Classification (06012015). Collection method: clinical testing. Allele origin: germline. Affected: yes.
Comment: This variant is considered likely benign or benign based on one or more of the following criteria: it is a conservative change, it occurs at a poorly conserved position in the protein, it is predicted to be benign by multiple in silico algorithms, and/or has population frequency not consistent with disease.